The following is an entry in ClinVar:

NM_012338.4(TSPAN12):c.-246T>G

Gene: TSPAN12 (tetraspanin 12; minus strand). Cytogenetic location: 7q31.31.
Variant type: single nucleotide variant.
Coding change: c.-246T>G on transcript NM_012338.4 (MANE Select); 246 bases upstream of the start codon, T replaced by G.
Molecular consequence: 5 prime UTR variant.
Genome position (GRCh38, 1-based): chr7:120,857,995, A>C on the plus strand (T>G on the coding strand, the complement: TSPAN12 is on the minus strand). VCF-style: chr7-120857995-A-C. GRCh37 (hg19) VCF-style: chr7-120498049-A-C.
Identifiers: ClinVar variation 358769 (VCV000358769.29), dbSNP rs545477642, ClinGen allele CA10625194.

ClinVar aggregate classification (germline): Conflicting classifications of pathogenicity. Review status: criteria provided, conflicting classifications (1 of 4 stars). 2 submissions from 2 submitters: Uncertain significance (1); Likely benign (1). Last evaluated 2023-03-01.

Conditions:
Exudative vitreoretinopathy 5 (EVR5). Identifiers: Orphanet 891, MedGen C2750079, MONDO:0013218, OMIM 613310.

Allele frequency attached by ClinVar (database versions not stated): 1000 Genomes Project 30x 0.00031; gnomAD 0.00056 and 0.00060; TOPMed 0.00069.

Submissions (2):

CeGaT Center for Human Genetics Tuebingen
Classification: Likely benign. Last evaluated: 2023-03-01. Review status: criteria provided, single submitter. Criteria: CeGaT Center For Human Genetics Tuebingen Variant Classification Criteria Version 2. Collection method: clinical testing. Allele origin: germline. Affected: yes. Observed: 1 variant allele.
Comment: TSPAN12: BS1

Illumina Laboratory Services, Illumina
Classification: Uncertain significance for Exudative vitreoretinopathy 5. Last evaluated: 2018-01-12. Review status: criteria provided, single submitter. Criteria: ICSL Variant Classification Criteria 13 December 2019. Collection method: clinical testing. Allele origin: germline.